The following is an entry in ClinVar:

ClinVar aggregate classification (germline): Pathogenic (1 of 4 stars; one submission).

Conditions:
Methylcobalamin deficiency type cblE (HMAE). Also called: HOMOCYSTINURIA-MEGALOBLASTIC ANEMIA, cblE TYPE; VITAMIN B12-RESPONSIVE HOMOCYSTINURIA, cblE TYPE; HOMOCYSTINURIA-MEGALOBLASTIC ANEMIA, cblE COMPLEMENTATION TYPE. Identifiers: Orphanet 2169, Orphanet 622, MedGen C1856057, MONDO:0009354, OMIM 236270.

Allele frequency attached by ClinVar (database versions not stated): gnomAD exomes below 0.00001.

Submission:

Labcorp Genetics (formerly Invitae), Labcorp
Classification: Pathogenic for Methylcobalamin deficiency type cblE. Last evaluated: 2024-01-12. Review status: criteria provided, single submitter. Criteria: Invitae Variant Classification Sherloc (09022015). Collection method: clinical testing. Allele origin: germline.
Comment: This sequence change creates a premature translational stop signal (p.Lys447*) in the MTRR gene. It is expected to result in an absent or disrupted protein product. Loss-of-function variants in MTRR are known to be pathogenic (PMID: 15714522). This variant is not present in population databases (gnomAD no frequency). This variant has not been reported in the literature in individuals affected with MTRR-related conditions. ClinVar contains an entry for this variant (Variation ID: 1071439). For these reasons, this variant has been classified as Pathogenic.

Literature cited by the submitters: PubMed 15714522.

NM_002454.3(MTRR):c.1339A>T (p.Lys447Ter)

Gene: MTRR (5-methyltetrahydrofolate-homocysteine methyltransferase reductase; plus strand). Cytogenetic location: 5p15.31.
Variant type: single nucleotide variant.
Coding change: c.1339A>T on transcript NM_002454.3 (MANE Select); coding-DNA position 1339, A replaced by T.
Protein change: p.Lys447Ter; replaces lysine 447 with a stop codon.
Molecular consequence: nonsense. On other transcripts: non-coding transcript variant (14).
Genome position (GRCh38, 1-based): chr5:7,891,383, A>T. VCF-style: chr5-7891383-A-T. GRCh37 (hg19) VCF-style: chr5-7891496-A-T.
Other names: c.1339A>T, p.Lys447Ter (NM_001364440.2, NM_001364441.2, NM_001364442.2 and 1 more transcripts); short protein forms K447*.
Identifiers: ClinVar variation 1071439 (VCV001071439.8), dbSNP rs1440404360, ClinGen allele CA359158704.